The following is an entry in ClinVar:

NM_207361.6(FREM2):c.4077T>A (p.Gly1359=)

Gene: FREM2 (FRAS1 related extracellular matrix 2; plus strand). Cytogenetic location: 13q13.3.
Variant type: single nucleotide variant.
Coding change: c.4077T>A on transcript NM_207361.6 (MANE Select); coding-DNA position 4077, T replaced by A.
Protein change: p.Gly1359=; no amino-acid change (glycine 1359 retained).
Molecular consequence: synonymous variant.
Genome position (GRCh38, 1-based): chr13:38,691,421, T>A. VCF-style: chr13-38691421-T-A. GRCh37 (hg19) VCF-style: chr13-39265558-T-A.
Other names: p.Gly1359=.
Identifiers: ClinVar variation 311974 (VCV000311974.15), dbSNP rs41292757, ClinGen allele CA6954917.

ClinVar aggregate classification (germline): Benign/Likely benign. Review status: criteria provided, multiple submitters, no conflicts (2 of 4 stars). 5 submissions from 5 submitters: Benign (4); Likely benign (1). Last evaluated 2026-02-04.

Conditions:
Fraser syndrome 2 (FRASRS2). Identifiers: MedGen C4540036, MONDO:0054738, OMIM 617666.

Allele frequency attached by ClinVar (database versions not stated): 1000 Genomes Project 0.01178; 1000 Genomes Project 30x 0.01296; TOPMed 0.02082; gnomAD 0.02479 and 0.02517; gnomAD exomes 0.02530 and 0.03335; ExAC 0.02563; ESP Exome Variant Server 0.02822.
gnomAD v4.1: 52,351 of 1,614,094 alleles (3.2%); highest among the groups gnomAD compares: Non-Finnish European, 3.8%; 988 homozygotes.

Submissions (5):

Labcorp Genetics (formerly Invitae), Labcorp
Classification: Benign. Last evaluated: 2026-02-04. Review status: criteria provided, single submitter. Criteria: Invitae Variant Classification Sherloc (09022015). Collection method: clinical testing. Allele origin: germline.

Blueprint Genetics
Classification: Likely benign. Last evaluated: 2024-11-27. Review status: criteria provided, single submitter. Criteria: ACMG Guidelines, 2015. Collection method: clinical testing. Allele origin: germline.

Mayo Clinic Laboratories, Mayo Clinic
Classification: Benign. Last evaluated: 2023-04-04. Review status: criteria provided, single submitter. Criteria: ACMG Guidelines, 2015. Collection method: clinical testing. Allele origin: germline. Observed: 3 variant alleles.
Comment: BS1, BS2, BP4, BP7

Illumina Laboratory Services, Illumina
Classification: Benign for Fraser syndrome 2. Last evaluated: 2018-01-12. Review status: criteria provided, single submitter. Criteria: ICSL Variant Classification Criteria 13 December 2019. Collection method: clinical testing. Allele origin: germline.
Comment: This variant was observed in the ICSL laboratory as part of a predisposition screen in an ostensibly healthy population. It had not been previously curated by ICSL or reported in the Human Gene Mutation Database (HGMD: prior to June 1st, 2018), and was therefore a candidate for classification through an automated scoring system. Utilizing variant allele frequency, disease prevalence and penetrance estimates, and inheritance mode, an automated score was calculated to assess if this variant is too frequent to cause the disease. Based on the score and internal cut-off values, a variant classified as benign is not then subjected to further curation. The score for this variant resulted in a classification of benign for this disease.

Breakthrough Genomics
Classification: Benign. Review status: criteria provided, single submitter. Criteria: ACMG Guidelines, 2015. Collection method: not provided. Allele origin: germline. Inheritance: Autosomal recessive inheritance. Affected: yes.